The following is an entry in ClinVar:

ClinVar aggregate classification (germline): Uncertain significance (1 of 4 stars; one submission).

Allele frequency attached by ClinVar (database versions not stated): TOPMed below 0.00001.

Submission:

Ambry Genetics
Classification: Uncertain significance. Last evaluated: 2021-09-02. Review status: criteria provided, single submitter. Criteria: Ambry Variant Classification Scheme 2023. Collection method: clinical testing. Allele origin: germline.
Comment: The p.K711R variant (also known as c.2132A>G), located in coding exon 4 of the ALPK2 gene, results from an A to G substitution at nucleotide position 2132. The lysine at codon 711 is replaced by arginine, an amino acid with highly similar properties. This amino acid position is conserved. In addition, this alteration is predicted to be tolerated by in silico analysis. Since supporting evidence is limited at this time, the clinical significance of this alteration remains unclear.

NM_052947.4(ALPK2):c.2132A>G (p.Lys711Arg)

Gene: ALPK2 (alpha kinase 2; minus strand). Cytogenetic location: 18q21.31.
Variant type: single nucleotide variant.
Coding change: c.2132A>G on transcript NM_052947.4 (MANE Select); coding-DNA position 2132, A replaced by G.
Protein change: p.Lys711Arg; replaces lysine 711 with arginine.
Molecular consequence: missense variant.
Genome position (GRCh38, 1-based): chr18:58,538,055, T>C on the plus strand (A>G on the coding strand, the complement: ALPK2 is on the minus strand). VCF-style: chr18-58538055-T-C. GRCh37 (hg19) VCF-style: chr18-56205287-T-C.
Other names: short protein forms K711R.
Identifiers: ClinVar variation 1786424 (VCV001786424.2), dbSNP rs965263082, ClinGen allele CA300927743.